The following is an entry in ClinVar:

ClinVar aggregate classification (germline): Uncertain significance (1 of 4 stars; one submission).

Conditions:
Diamond-Blackfan anemia. Also called: Blackfan Diamond syndrome; Aregenerative anemia chronic congenital; Red cell aplasia, pure hereditary; Congenital hypoplastic anemia; Aase syndrome. Identifiers: Orphanet 124, MedGen C1260899, MeSH D029503, MONDO:0015253, HP:0004810.

Submission:

Labcorp Genetics (formerly Invitae), Labcorp
Classification: Uncertain significance for Diamond-Blackfan anemia. Last evaluated: 2022-09-03. Review status: criteria provided, single submitter. Criteria: Invitae Variant Classification Sherloc (09022015). Collection method: clinical testing. Allele origin: germline.
Comment: This sequence change falls in intron 4 of the RPL11 gene. It does not directly change the encoded amino acid sequence of the RPL11 protein. In summary, the available evidence is currently insufficient to determine the role of this variant in disease. Therefore, it has been classified as a Variant of Uncertain Significance. Experimental studies and prediction algorithms are not available or were not evaluated, and the effect of this variant on mRNA splicing is currently unknown. This variant has not been reported in the literature in individuals affected with RPL11-related conditions. Information on the frequency of this variant in the gnomAD database is not available, as this variant may be reported differently in the database.

NM_000975.5(RPL11):c.397-11_397-10delinsAT

Gene: RPL11 (ribosomal protein L11; plus strand). Cytogenetic location: 1p36.11.
Variant type: Indel.
Coding change: c.397-11_397-10delinsAT on transcript NM_000975.5 (MANE Select); 11 bases into the intron before coding-DNA position 397 through 10 bases into the intron before coding-DNA position 397, TC replaced by AT.
Molecular consequence: intron variant.
Genome position (GRCh38, 1-based): chr1:23,695,787-23,695,788, TC replaced by AT. VCF-style: chr1-23695787-TC-AT. GRCh37 (hg19) VCF-style: chr1-24022277-TC-AT.
Other names: c.394-11_394-10delinsAT (NM_001199802.1).
Identifiers: ClinVar variation 2028931 (VCV002028931.4), dbSNP rs2523402872, ClinGen allele CA2580061511.